The following is an entry in ClinVar:

ClinVar aggregate classification (germline): Likely benign (1 of 4 stars; one submission).

gnomAD v4.1: 29 of 1,609,338 alleles (0.0018%); highest among the groups gnomAD compares: Middle Eastern, 0.057%; no homozygotes.

Submissions (2):

CeGaT Center for Human Genetics Tuebingen
Classification: Likely benign. Last evaluated: 2026-06-01. Review status: criteria provided, single submitter. Criteria: CeGaT Center For Human Genetics Tuebingen Variant Classification Criteria Version 2. Collection method: clinical testing. Allele origin: germline. Affected: yes. Observed: 1 variant allele.
Comment: HCN2: PP3, BS2

Dr. Peter K. Rogan Lab, Western University
No classification provided (evidence only). Condition: Malignant tumor of esophagus. Review status: no classification provided. Collection method: in vitro. Allele origin: not applicable. Functional consequence: retained intron. Not counted in ClinVar's aggregate classification.

NM_001194.4(HCN2):c.1437+13C>T

Gene: HCN2 (hyperpolarization activated cyclic nucleotide gated potassium and sodium channel 2; plus strand). Cytogenetic location: 19p13.3.
Variant type: single nucleotide variant.
Coding change: c.1437+13C>T on transcript NM_001194.4 (MANE Select); 13 bases into the intron after coding-DNA position 1437, C replaced by T.
Molecular consequence: intron variant.
Genome position (GRCh38, 1-based): chr19:608,195, C>T. VCF-style: chr19-608195-C-T. GRCh37 (hg19) VCF-style: chr19-608195-C-T.
Other names: NC_000019.9:g.608195C>T.
Identifiers: ClinVar variation 4446178 (VCV004446178.3).